The following is an entry in ClinVar:

ClinVar aggregate classification (germline): Benign/Likely benign. Review status: criteria provided, multiple submitters, no conflicts (2 of 4 stars). 15 submissions from 11 submitters: Benign (12); Likely benign (1). 2 of the submissions do not count toward it. Last evaluated 2026-02-03.

Conditions:
Hereditary spherocytosis type 3. Also called: Spherocytosis type 3; SPTA1-Related Spherocytosis. Identifiers: Orphanet 822, MedGen C2678338, MONDO:0010053, OMIM 270970.
Elliptocytosis 2 (EL2). Also called: ELLIPTOCYTOSIS, RHESUS-UNLINKED TYPE. Identifiers: Orphanet 288, MedGen C1851741, MONDO:0007533, OMIM 130600.
Pyropoikilocytosis, hereditary. Also called: Pyropoikilocytosis. Identifiers: MedGen C0520739, MONDO:0009948, OMIM 266140, HP:0004839. Disease mechanism: loss of function.

Allele frequency attached by ClinVar (database versions not stated): TOPMed 0.95378; gnomAD 0.95473 and 0.95792; 1000 Genomes Project 30x 0.95550; 1000 Genomes Project 0.95687; ESP Exome Variant Server 0.95805; ExAC 0.98497; gnomAD exomes 0.98688 and 0.99341.
gnomAD v4.1: 1,597,140 of 1,613,458 alleles (99%); highest among the groups gnomAD compares: East Asian, 100%; 791,162 homozygotes.

Submissions (15):

Labcorp Genetics (formerly Invitae), Labcorp
Classification: Benign. Last evaluated: 2026-02-03. Review status: criteria provided, single submitter. Criteria: Invitae Variant Classification Sherloc (09022015). Collection method: clinical testing. Allele origin: germline.

ARUP Laboratories, Molecular Genetics and Genomics, ARUP Laboratories
Classification: Benign. Last evaluated: 2025-07-31. Review status: criteria provided, single submitter. Criteria: ARUP Molecular Germline Variant Investigation Process 2024. Collection method: clinical testing. Allele origin: germline.

Blueprint Genetics
Classification: Likely benign. Last evaluated: 2024-11-26. Review status: criteria provided, single submitter. Criteria: ACMG Guidelines, 2015. Collection method: clinical testing. Allele origin: germline.

Genome-Nilou Lab
Classification: Benign for Pyropoikilocytosis, hereditary. Last evaluated: 2021-07-15. Review status: criteria provided, single submitter. Criteria: ACMG Guidelines, 2015. Collection method: clinical testing. Allele origin: germline. Affected: no.

Genome-Nilou Lab
Classification: Benign for Hereditary spherocytosis type 3. Last evaluated: 2021-07-15. Review status: criteria provided, single submitter. Criteria: ACMG Guidelines, 2015. Collection method: clinical testing. Allele origin: germline. Affected: no.

Genome-Nilou Lab
Classification: Benign for Elliptocytosis 2. Last evaluated: 2021-07-15. Review status: criteria provided, single submitter. Criteria: ACMG Guidelines, 2015. Collection method: clinical testing. Allele origin: germline. Affected: no.

GeneDx
Classification: Benign. Last evaluated: 2021-06-09. Review status: criteria provided, single submitter. Criteria: GeneDx Variant Classification Process June 2021. Collection method: clinical testing. Allele origin: germline. Affected: yes.

Illumina Laboratory Services, Illumina
Classification: Benign for Pyropoikilocytosis, hereditary. Last evaluated: 2018-01-12. Review status: criteria provided, single submitter. Criteria: ICSL Variant Classification Criteria 13 December 2019. Collection method: clinical testing. Allele origin: germline.
Comment: This variant was observed in the ICSL laboratory as part of a predisposition screen in an ostensibly healthy population. It had not been previously curated by ICSL or reported in the Human Gene Mutation Database (HGMD: prior to June 1st, 2018), and was therefore a candidate for classification through an automated scoring system. Utilizing variant allele frequency, disease prevalence and penetrance estimates, and inheritance mode, an automated score was calculated to assess if this variant is too frequent to cause the disease. Based on the score and internal cut-off values, a variant classified as benign is not then subjected to further curation. The score for this variant resulted in a classification of benign for this disease.

Illumina Laboratory Services, Illumina
Classification: Benign for Elliptocytosis 2. Last evaluated: 2018-01-12. Review status: criteria provided, single submitter. Criteria: ICSL Variant Classification Criteria 13 December 2019. Collection method: clinical testing. Allele origin: germline.
Comment: the same text as in the submission from Illumina Laboratory Services, Illumina above.

Illumina Laboratory Services, Illumina
Classification: Benign for Hereditary spherocytosis type 3. Last evaluated: 2018-01-12. Review status: criteria provided, single submitter. Criteria: ICSL Variant Classification Criteria 13 December 2019. Collection method: clinical testing. Allele origin: germline.
Comment: the same text as in the submission from Illumina Laboratory Services, Illumina above.

Mayo Clinic Laboratories, Mayo Clinic
Classification: Benign. Last evaluated: 2016-04-15. Review status: criteria provided, single submitter. Criteria: ACMG Guidelines, 2015. Collection method: clinical testing. Allele origin: germline. Observed: 2,388 variant alleles.

Breakthrough Genomics
Classification: Benign. Review status: criteria provided, single submitter. Criteria: ACMG Guidelines, 2015. Collection method: not provided. Allele origin: germline. Inheritance: Autosomal recessive inheritance. Affected: yes.

PreventionGenetics, part of Exact Sciences
Classification: Benign. Review status: criteria provided, single submitter. Criteria: ACMG Guidelines, 2015. Collection method: clinical testing. Allele origin: germline.

Diagnostic Laboratory, Department of Genetics, University Medical Center Groningen
Classification: Benign. Review status: no assertion criteria provided. Collection method: clinical testing. Allele origin: germline. Affected: yes. Study: VKGL Data-share Consensus. Not counted in ClinVar's aggregate classification.

Genome Diagnostics Laboratory, University Medical Center Utrecht
Classification: Benign. Review status: no assertion criteria provided. Collection method: clinical testing. Allele origin: germline. Affected: yes. Study: VKGL Data-share Consensus. Not counted in ClinVar's aggregate classification.

NM_003126.4(SPTA1):c.942T>A (p.Ala314=)

Gene: SPTA1 (spectrin alpha, erythrocytic 1; minus strand). Cytogenetic location: 1q23.1.
Variant type: single nucleotide variant.
Coding change: c.942T>A on transcript NM_003126.4 (MANE Select); coding-DNA position 942, T replaced by A.
Protein change: p.Ala314=; no amino-acid change (alanine 314 retained).
Molecular consequence: synonymous variant.
Genome position (GRCh38, 1-based): chr1:158,677,705, A>T on the plus strand (T>A on the coding strand, the complement: SPTA1 is on the minus strand). VCF-style: chr1-158677705-A-T. GRCh37 (hg19) VCF-style: chr1-158647495-A-T.
Other names: p.Ala314=.
Identifiers: ClinVar variation 258962 (VCV000258962.37), dbSNP rs325996, ClinGen allele CA1183972.